The following is an entry in ClinVar:

NM_001376.5(DYNC1H1):c.10054G>A (p.Val3352Ile)

Gene: DYNC1H1 (dynein cytoplasmic 1 heavy chain 1; plus strand). Cytogenetic location: 14q32.31.
Variant type: single nucleotide variant.
Coding change: c.10054G>A on transcript NM_001376.5 (MANE Select); coding-DNA position 10054, G replaced by A.
Protein change: p.Val3352Ile; replaces valine 3352 with isoleucine.
Molecular consequence: missense variant.
Genome position (GRCh38, 1-based): chr14:102,032,442, G>A. VCF-style: chr14-102032442-G-A. GRCh37 (hg19) VCF-style: chr14-102498779-G-A.
Other names: short protein forms V3352I.
Identifiers: ClinVar variation 2152827 (VCV002152827.6), dbSNP rs368045189, ClinGen allele CA7353343.

ClinVar aggregate classification (germline): Uncertain significance. Review status: criteria provided, multiple submitters, no conflicts (2 of 4 stars). 3 submissions from 3 submitters: Uncertain significance (3). Last evaluated 2024-08-23.

Conditions:
Inborn genetic diseases. Identifiers: MedGen C0950123, MeSH D030342.
Charcot-Marie-Tooth disease axonal type 2O. Also called: CHARCOT-MARIE-TOOTH NEUROPATHY, AXONAL, TYPE 2O; CHARCOT-MARIE-TOOTH DISEASE, AXONAL, AUTOSOMAL DOMINANT, TYPE 2O; Charcot-Marie-Tooth Neuropathy Type 2O; Charcot-Marie-Tooth disease, axonal, type 20. Identifiers: Orphanet 284232, MedGen C3280220, MONDO:0013644, OMIM 614228.

Allele frequency attached by ClinVar (database versions not stated): gnomAD exomes below 0.00001; TOPMed below 0.00001; ExAC 0.00001; ESP Exome Variant Server 0.00008.
gnomAD v4.1: 2 of 1,614,162 alleles (0.00012%); highest among the groups gnomAD compares: South Asian, 0.0011%; no homozygotes.

Submissions (3):

Women's Health and Genetics/Laboratory Corporation of America, LabCorp
Classification: Uncertain significance. Last evaluated: 2024-08-23. Review status: criteria provided, single submitter. Criteria: LabCorp Variant Classification Summary - May 2015. Collection method: clinical testing. Allele origin: germline.
Comment: Variant summary: DYNC1H1 c.10054G>A (p.Val3352Ile) results in a conservative amino acid change located in the Dynein heavy chain, coiled coil stalk domain (IPR024743) of the encoded protein sequence. Four of five in-silico tools predict a benign effect of the variant on protein function. The frequency data for this variant in gnomAD is considered unreliable, as metrics indicate poor data quality at this position. To our knowledge, no occurrence of c.10054G>A in individuals affected with DYNC1H1-Related Disorders and no experimental evidence demonstrating its impact on protein function have been reported. ClinVar contains an entry for this variant (Variation ID: 2152827). Based on the evidence outlined above, the variant was classified as uncertain significance.

Labcorp Genetics (formerly Invitae), Labcorp
Classification: Uncertain significance for Charcot-Marie-Tooth disease axonal type 2O. Last evaluated: 2024-07-15. Review status: criteria provided, single submitter. Criteria: Invitae Variant Classification Sherloc (09022015). Collection method: clinical testing. Allele origin: germline.
Comment: This sequence change replaces valine, which is neutral and non-polar, with isoleucine, which is neutral and non-polar, at codon 3352 of the DYNC1H1 protein (p.Val3352Ile). The frequency data for this variant in the population databases is considered unreliable, as metrics indicate poor data quality at this position in the gnomAD database. This variant has not been reported in the literature in individuals affected with DYNC1H1-related conditions. ClinVar contains an entry for this variant (Variation ID: 2152827). Advanced modeling of protein sequence and biophysical properties (such as structural, functional, and spatial information, amino acid conservation, physicochemical variation, residue mobility, and thermodynamic stability) performed at Invitae indicates that this missense variant is not expected to disrupt DYNC1H1 protein function with a negative predictive value of 95%. In summary, the available evidence is currently insufficient to determine the role of this variant in disease. Therefore, it has been classified as a Variant of Uncertain Significance.

Ambry Genetics
Classification: Uncertain significance for Inborn genetic diseases. Last evaluated: 2023-09-22. Review status: criteria provided, single submitter. Criteria: Ambry Variant Classification Scheme 2023. Collection method: clinical testing. Allele origin: germline.